The following is an entry in ClinVar:

NM_000815.5(GABRD):c.556G>A (p.Gly186Ser)

Gene: GABRD (gamma-aminobutyric acid type A receptor subunit delta; plus strand). Cytogenetic location: 1p36.33.
Variant type: single nucleotide variant.
Coding change: c.556G>A on transcript NM_000815.5 (MANE Select); coding-DNA position 556, G replaced by A.
Protein change: p.Gly186Ser; replaces glycine 186 with serine.
Molecular consequence: missense variant.
Genome position (GRCh38, 1-based): chr1:2,028,157, G>A. VCF-style: chr1-2028157-G-A. GRCh37 (hg19) VCF-style: chr1-1959596-G-A.
Other names: short protein forms G186S.
Identifiers: ClinVar variation 1933159 (VCV001933159.5), dbSNP rs538535957, ClinGen allele CA16889150.
Genomic context (GRCh38, chr1:2,028,157, plus strand): 5'-GCCAGGGCTCCCGGGGCAGGGCCGGGCTCTGCCGCCCACCTGTGTGCTTTTCCTCCAGAC[G>A]GTTACTCATCGGAGGACATCGTCTACTACTGGTCGGAGAGCCAGGAGCACATCCACGGGC-3'
Protein context (NP_000806.2, residues 176-196): QECMLDLESY[Gly186Ser]YSSEDIVYYW

ClinVar aggregate classification (germline): Uncertain significance (1 of 4 stars; one submission).

Conditions:
Idiopathic generalized epilepsy. Also called: Generalised epilepsy; EIG. Identifiers: MedGen C0270850, MONDO:0005579, OMIM 600669.

Allele frequency attached by ClinVar (database versions not stated): gnomAD 0.00001; 1000 Genomes Project 30x 0.00016; 1000 Genomes Project 0.00020.
gnomAD v4.1: 2 of 1,609,074 alleles (0.00012%); highest among the groups gnomAD compares: Admixed American, 0.0017%; no homozygotes.

Submission:

Labcorp Genetics (formerly Invitae), Labcorp
Classification: Uncertain significance for Idiopathic generalized epilepsy. Last evaluated: 2024-08-12. Review status: criteria provided, single submitter. Criteria: Invitae Variant Classification Sherloc (09022015). Collection method: clinical testing. Allele origin: germline.
Comment: This sequence change replaces glycine, which is neutral and non-polar, with serine, which is neutral and polar, at codon 186 of the GABRD protein (p.Gly186Ser). This variant is not present in population databases (gnomAD no frequency). This variant has not been reported in the literature in individuals affected with GABRD-related conditions. ClinVar contains an entry for this variant (Variation ID: 1933159). An algorithm developed to predict the effect of missense changes on protein structure and function (PolyPhen-2) suggests that this variant is likely to be disruptive. Algorithms developed to predict the effect of sequence changes on RNA splicing suggest that this variant may create or strengthen a splice site. In summary, the available evidence is currently insufficient to determine the role of this variant in disease. Therefore, it has been classified as a Variant of Uncertain Significance.